The following is an entry in ClinVar:

NM_032802.4(SPPL2A):c.1014+4A>G

Gene: SPPL2A (signal peptide peptidase like 2A; minus strand). Cytogenetic location: 15q21.2.
Variant type: single nucleotide variant.
Coding change: c.1014+4A>G on transcript NM_032802.4 (MANE Select); 4 bases into the intron after coding-DNA position 1014, A replaced by G.
Molecular consequence: intron variant.
Genome position (GRCh38, 1-based): chr15:50,732,599, T>C on the plus strand (A>G on the coding strand, the complement: SPPL2A is on the minus strand). VCF-style: chr15-50732599-T-C. GRCh37 (hg19) VCF-style: chr15-51024796-T-C.
Identifiers: ClinVar variation 3626960 (VCV003626960.2).

ClinVar aggregate classification (germline): Uncertain significance (1 of 4 stars; one submission).

gnomAD v4.1: 9 of 1,542,890 alleles (0.00058%); highest among the groups gnomAD compares: East Asian, 0.02%; no homozygotes.

Submission:

Labcorp Genetics (formerly Invitae), Labcorp
Classification: Uncertain significance. Last evaluated: 2024-11-05. Review status: criteria provided, single submitter. Criteria: Invitae Variant Classification Sherloc (09022015). Collection method: clinical testing. Allele origin: germline.
Comment: This sequence change falls in intron 9 of the SPPL2A gene. It does not directly change the encoded amino acid sequence of the SPPL2A protein. It affects a nucleotide within the consensus splice site. This variant is present in population databases (rs773036308, gnomAD 0.01%). This variant has not been reported in the literature in individuals affected with SPPL2A-related conditions. Variants that disrupt the consensus splice site are a relatively common cause of aberrant splicing (PMID: 17576681, 9536098). Algorithms developed to predict the effect of sequence changes on RNA splicing suggest that this variant may disrupt the consensus splice site. In summary, the available evidence is currently insufficient to determine the role of this variant in disease. Therefore, it has been classified as a Variant of Uncertain Significance.

Literature cited by the submitters: PubMed 17576681; PubMed 9536098.